The following is an entry in ClinVar:

ClinVar aggregate classification (germline): Likely benign (0 of 4 stars; one submission).

Conditions:
FMN1-related disorder. Also called: FMN1-related condition.

Allele frequency attached by ClinVar (database versions not stated): ExAC 0.00002; ESP Exome Variant Server 0.00008; 1000 Genomes Project 30x 0.00016; 1000 Genomes Project 0.00020.
gnomAD v4.1: 112 of 1,606,740 alleles (0.007%); highest among the groups gnomAD compares: Middle Eastern, 0.017%; no homozygotes.

Submission:

PreventionGenetics, part of Exact Sciences
Classification: Likely benign for FMN1-related condition. Last evaluated: 2019-06-10. Review status: no assertion criteria provided. Collection method: clinical testing. Allele origin: germline.
Comment: This variant is classified as likely benign based on ACMG/AMP sequence variant interpretation guidelines (Richards et al. 2015 PMID: 25741868, with internal and published modifications).

NM_001277313.2(FMN1):c.2610G>A (p.Pro870=)

Gene: FMN1 (formin 1; minus strand). Cytogenetic location: 15q13.3.
Variant type: single nucleotide variant.
Coding change: c.2610G>A on transcript NM_001277313.2 (MANE Select); coding-DNA position 2610, G replaced by A.
Protein change: p.Pro870=; no amino-acid change (proline 870 retained).
Molecular consequence: synonymous variant.
Genome position (GRCh38, 1-based): chr15:32,969,091, C>T on the plus strand (G>A on the coding strand, the complement: FMN1 is on the minus strand). VCF-style: chr15-32969091-C-T. GRCh37 (hg19) VCF-style: chr15-33261292-C-T.
Other names: c.1941G>A, p.Pro647= (NM_001103184.4).
Identifiers: ClinVar variation 3033907 (VCV003033907.2), dbSNP rs368194891, ClinGen allele CA7456916.